The following is an entry in ClinVar:

ClinVar aggregate classification (germline): Pathogenic (1 of 4 stars; one submission).

Conditions:
Ataxia-telangiectasia syndrome (AT). Also called: Ataxia-telangiectasia, complementation group D; AT, COMPLEMENTATION GROUP C; Ataxia telangiectasia (A-T); Cerebello-oculocutaneous telangiectasia; Immunodeficiency with ataxia telangiectasia; ATAXIA-TELANGIECTASIA, COMPLEMENTATION GROUP A. Identifiers: Orphanet 100, MedGen C0004135, MONDO:0008840, OMIM 208900.

Submission:

Labcorp Genetics (formerly Invitae), Labcorp
Classification: Pathogenic for Ataxia-telangiectasia syndrome. Last evaluated: 2021-08-12. Review status: criteria provided, single submitter. Criteria: Invitae Variant Classification Sherloc (09022015). Collection method: clinical testing. Allele origin: germline.
Comment: For these reasons, this variant has been classified as Pathogenic. Loss-of-function variants in ATM are known to be pathogenic (PMID: 23807571, 25614872). This variant has not been reported in the literature in individuals with ATM-related conditions. This variant is an out-of-frame deletion of the genomic region encompassing exons 25-27 of the ATM gene. This is expected to create a premature translational stop signal and result in an absent or disrupted protein product.

Literature cited by the submitters: PubMed 23807571; PubMed 25614872.

NC_000011.10:g.(?_108282700)_(108287725_?)del

Gene: ATM (ATM serine/threonine kinase; plus strand). Cytogenetic location: 11q22.3.
Variant type: Deletion.
Identifiers: ClinVar variation 662858 (VCV000662858.6).